The following is an entry in ClinVar:

ClinVar aggregate classification (germline): Likely benign. Review status: criteria provided, multiple submitters, no conflicts (2 of 4 stars). 3 submissions from 2 submitters: Likely benign (3). Last evaluated 2018-01-13.

Conditions:
Papillon-Lefèvre syndrome (PALS). Also called: Papillon-Lefevre Disease; KERATOSIS PALMOPLANTARIS WITH PERIODONTOPATHIA. Identifiers: Orphanet 678, MedGen C0030360, MONDO:0009490, OMIM 245000.
Haim-Munk syndrome (HMS). Also called: COCHIN JEWISH DISORDER; KERATOSIS PALMOPLANTARIS WITH PERIODONTOPATHIA AND ONYCHOGRYPOSIS. Identifiers: Orphanet 2342, MedGen C1855627, MONDO:0009491, OMIM 245010.

Allele frequency attached by ClinVar (database versions not stated): TOPMed 0.00391; ExAC 0.00086; gnomAD exomes 0.00072; gnomAD 0.00400 and 0.00365; 1000 Genomes Project 30x 0.00422; 1000 Genomes Project 0.00479.

Submissions (3):

Illumina Laboratory Services, Illumina
Classification: Likely benign for Haim-Munk syndrome. Last evaluated: 2018-01-13. Review status: criteria provided, single submitter. Criteria: ICSL Variant Classification Criteria 13 December 2019. Collection method: clinical testing. Allele origin: germline.
Comment: This variant was observed in the ICSL laboratory as part of a predisposition screen in an ostensibly healthy population. It had not been previously curated by ICSL or reported in the Human Gene Mutation Database (HGMD: prior to June 1st, 2018), and was therefore a candidate for classification through an automated scoring system. Utilizing variant allele frequency, disease prevalence and penetrance estimates, and inheritance mode, an automated score was calculated to assess if this variant is too frequent to cause the disease. Based on the score and internal cut-off values, a variant classified as likely benign is not then subjected to further curation. The score for this variant resulted in a classification of likely benign for this disease.

Illumina Laboratory Services, Illumina
Classification: Likely benign for Papillon-Lefèvre syndrome. Last evaluated: 2018-01-13. Review status: criteria provided, single submitter. Criteria: ICSL Variant Classification Criteria 13 December 2019. Collection method: clinical testing. Allele origin: germline.
Comment: the same text as in the submission from Illumina Laboratory Services, Illumina above.

Breakthrough Genomics
Classification: Likely benign. Review status: criteria provided, single submitter. Criteria: ACMG Guidelines, 2015. Collection method: not provided. Allele origin: germline. Inheritance: Autosomal recessive inheritance. Affected: yes.

NM_001814.4(CTSC):c.-91T>G

Gene: CTSC (cathepsin C; minus strand). Cytogenetic location: 11q14.2.
Variant type: single nucleotide variant.
Coding change: c.-91T>G on transcript NM_001814.4; 91 bases upstream of the start codon, T replaced by G.
Genome position (GRCh38, 1-based): chr11:88,337,763, A>C on the plus strand (T>G on the coding strand, the complement: CTSC is on the minus strand). VCF-style: chr11-88337763-A-C. GRCh37 (hg19) VCF-style: chr11-88070931-A-C.
Identifiers: ClinVar variation 882560 (VCV000882560.7), dbSNP rs144306006, ClinGen allele CA6220207.